The following is an entry in ClinVar:

ClinVar aggregate classification (germline): Uncertain significance (1 of 4 stars; one submission).

Submission:

Ambry Genetics
Classification: Uncertain significance. Last evaluated: 2023-02-25. Review status: criteria provided, single submitter. Criteria: Ambry Variant Classification Scheme 2023. Collection method: clinical testing. Allele origin: germline.
Comment: The p.F156L variant (also known as c.468C>G), located in coding exon 5 of the PRKDC gene, results from a C to G substitution at nucleotide position 468. The phenylalanine at codon 156 is replaced by leucine, an amino acid with highly similar properties. This amino acid position is conserved. In addition, the in silico prediction for this alteration is inconclusive. Since supporting evidence is limited at this time, the clinical significance of this alteration remains unclear.

NM_006904.7(PRKDC):c.468C>G (p.Phe156Leu)

Gene: PRKDC (protein kinase, DNA-activated, catalytic subunit; minus strand). Cytogenetic location: 8q11.21.
Variant type: single nucleotide variant.
Coding change: c.468C>G on transcript NM_006904.7 (MANE Select); coding-DNA position 468, C replaced by G.
Protein change: p.Phe156Leu; replaces phenylalanine 156 with leucine.
Molecular consequence: missense variant.
Genome position (GRCh38, 1-based): chr8:47,954,378, G>C on the plus strand (C>G on the coding strand, the complement: PRKDC is on the minus strand). VCF-style: chr8-47954378-G-C. GRCh37 (hg19) VCF-style: chr8-48866938-G-C.
Other names: c.468C>G, p.Phe156Leu (NM_001081640.2); short protein forms F156L.
Identifiers: ClinVar variation 2449896 (VCV002449896.2), dbSNP rs376843292, ClinGen allele CA371139082.